The following is an entry in ClinVar:

ClinVar aggregate classification (germline): Benign/Likely benign. Review status: criteria provided, multiple submitters, no conflicts (2 of 4 stars). 4 submissions from 4 submitters: Benign (2); Likely benign (1). 1 of the submissions does not count toward it. Last evaluated 2022-12-01.

Conditions:
APBA2-related disorder. Also called: APBA2-related condition.

Allele frequency attached by ClinVar (database versions not stated): ExAC 0.00136; gnomAD exomes 0.00136 and 0.00227; TOPMed 0.00141; gnomAD 0.00151 and 0.00160; ESP Exome Variant Server 0.00154.

Submissions (4):

CeGaT Center for Human Genetics Tuebingen
Classification: Likely benign. Last evaluated: 2022-12-01. Review status: criteria provided, single submitter. Criteria: CeGaT Center For Human Genetics Tuebingen Variant Classification Criteria Version 2. Collection method: clinical testing. Allele origin: germline. Affected: yes. Observed: 1 variant allele.
Comment: APBA2: BP4, BP7

Labcorp Genetics (formerly Invitae), Labcorp
Classification: Benign. Last evaluated: 2018-07-20. Review status: criteria provided, single submitter. Criteria: Invitae Variant Classification Sherloc (09022015). Collection method: clinical testing. Allele origin: germline.

Breakthrough Genomics
Classification: Benign. Review status: criteria provided, single submitter. Criteria: ACMG Guidelines, 2015. Collection method: not provided. Allele origin: germline. Inheritance: Unknown mechanism. Affected: yes.

PreventionGenetics, part of Exact Sciences
Classification: Likely benign for APBA2-related condition. Last evaluated: 2022-07-21. Review status: no assertion criteria provided. Collection method: clinical testing. Allele origin: germline. Not counted in ClinVar's aggregate classification.
Comment: This variant is classified as likely benign based on ACMG/AMP sequence variant interpretation guidelines (Richards et al. 2015 PMID: 25741868, with internal and published modifications).

NM_001353788.2(APBA2):c.1044G>A (p.Val348=)

Gene: APBA2 (amyloid beta precursor protein binding family A member 2; plus strand). Cytogenetic location: 15q13.1.
Variant type: single nucleotide variant.
Coding change: c.1044G>A on transcript NM_001353788.2 (MANE Select); coding-DNA position 1044, G replaced by A.
Protein change: p.Val348=; no amino-acid change (valine 348 retained).
Molecular consequence: synonymous variant.
Genome position (GRCh38, 1-based): chr15:29,076,066, G>A. VCF-style: chr15-29076066-G-A. GRCh37 (hg19) VCF-style: chr15-29368269-G-A.
Other names: c.1044G>A, p.Val348= (NM_001130414.1, NM_001353789.2, NM_001353790.2 and 6 more transcripts); c.156G>A, p.Val52= (NM_001353796.2, NM_001353797.2).
Identifiers: ClinVar variation 731056 (VCV000731056.29), dbSNP rs149285403, ClinGen allele CA7445269.